The following is an entry in ClinVar:

ClinVar aggregate classification (germline): Uncertain significance. Review status: criteria provided, multiple submitters, no conflicts (2 of 4 stars). 3 submissions from 3 submitters: Uncertain significance (3). Last evaluated 2024-12-25.

Allele frequency attached by ClinVar (database versions not stated): TOPMed 0.00001; ExAC 0.00002; gnomAD exomes 0.00003 and 0.00004; gnomAD 0.00004.
gnomAD v4.1: 60 of 1,614,004 alleles (0.0037%); highest among the groups gnomAD compares: East Asian, 0.011%; no homozygotes.

Submissions (3):

Ambry Genetics
Classification: Uncertain significance. Last evaluated: 2024-12-25. Review status: criteria provided, single submitter. Criteria: Ambry Variant Classification Scheme 2023. Collection method: clinical testing. Allele origin: germline.

Blueprint Genetics
Classification: Uncertain significance. Last evaluated: 2024-10-28. Review status: criteria provided, single submitter. Criteria: ACMG Guidelines, 2015. Collection method: clinical testing. Allele origin: germline.

Labcorp Genetics (formerly Invitae), Labcorp
Classification: Uncertain significance. Last evaluated: 2023-11-27. Review status: criteria provided, single submitter. Criteria: Invitae Variant Classification Sherloc (09022015). Collection method: clinical testing. Allele origin: germline.
Comment: This sequence change replaces glycine, which is neutral and non-polar, with serine, which is neutral and polar, at codon 250 of the SLC7A14 protein (p.Gly250Ser). This variant is present in population databases (rs763399787, gnomAD 0.005%). This variant has not been reported in the literature in individuals affected with SLC7A14-related conditions. ClinVar contains an entry for this variant (Variation ID: 1394158). An algorithm developed to predict the effect of missense changes on protein structure and function (PolyPhen-2) suggests that this variant is likely to be disruptive. In summary, the available evidence is currently insufficient to determine the role of this variant in disease. Therefore, it has been classified as a Variant of Uncertain Significance.

NM_020949.3(SLC7A14):c.748G>A (p.Gly250Ser)

Genes: SLC7A14 (solute carrier family 7 member 14; minus strand), SLC7A14-AS1 (SLC7A14 antisense RNA 1; plus strand). Cytogenetic location: 3q26.2.
Variant type: single nucleotide variant.
Coding change: c.748G>A on transcript NM_020949.3 (MANE Select); coding-DNA position 748, G replaced by A.
Protein change: p.Gly250Ser; replaces glycine 250 with serine.
Molecular consequence: missense variant.
Genome position (GRCh38, 1-based): chr3:170,498,678, C>T on the plus strand (G>A on the coding strand, the complement: SLC7A14 is on the minus strand). VCF-style: chr3-170498678-C-T. GRCh37 (hg19) VCF-style: chr3-170216467-C-T.
Other names: c.748G>A (NM_020949.2); short protein forms G250S.
Identifiers: ClinVar variation 1394158 (VCV001394158.8), dbSNP rs763399787, ClinGen allele CA2701840.